The following is an entry in ClinVar:

ClinVar aggregate classification (germline): Uncertain significance (1 of 4 stars; one submission).

Conditions:
Familial adenomatous polyposis 1 (FAP1). Also called: POLYPOSIS, ADENOMATOUS INTESTINAL; FAMILIAL ADENOMATOUS POLYPOSIS 1, ATTENUATED. Identifiers: MedGen C2713442, MONDO:0021056, OMIM 175100. Disease mechanism: loss of function.

Submission:

Labcorp Genetics (formerly Invitae), Labcorp
Classification: Uncertain significance for Familial adenomatous polyposis 1. Last evaluated: 2022-05-15. Review status: criteria provided, single submitter. Criteria: Invitae Variant Classification Sherloc (09022015). Collection method: clinical testing. Allele origin: germline.
Comment: This sequence change replaces isoleucine, which is neutral and non-polar, with asparagine, which is neutral and polar, at codon 2199 of the APC protein (p.Ile2199Asn). Information on the frequency of this variant in the gnomAD database is not available, as this variant may be reported differently in the database. This variant has not been reported in the literature in individuals affected with APC-related conditions. Algorithms developed to predict the effect of missense changes on protein structure and function are either unavailable or do not agree on the potential impact of this missense change (SIFT: "Not Available"; PolyPhen-2: "Possibly Damaging"; Align-GVGD: "Not Available"). In summary, the available evidence is currently insufficient to determine the role of this variant in disease. Therefore, it has been classified as a Variant of Uncertain Significance.

NM_000038.6(APC):c.6596_6597delinsAC (p.Ile2199Asn)

Gene: APC (APC regulator of Wnt signaling pathway; plus strand). Cytogenetic location: 5q22.2.
Variant type: Indel.
Coding change: c.6596_6597delinsAC on transcript NM_000038.6 (MANE Select); coding-DNA positions 6596 to 6597, TT replaced by AC.
Protein change: p.Ile2199Asn; replaces isoleucine 2199 with asparagine.
Molecular consequence: missense variant.
Genome position (GRCh38, 1-based): chr5:112,842,190-112,842,191, TT replaced by AC. VCF-style: chr5-112842190-TT-AC. GRCh37 (hg19) VCF-style: chr5-112177887-TT-AC.
Other names: c.6596_6597delinsAC, p.Ile2199Asn (NM_001127510.3, NM_001354895.2); c.6542_6543delinsAC, p.Ile2181Asn (NM_001127511.3); c.6650_6651delinsAC, p.Ile2217Asn (NM_001354896.2); c.6626_6627delinsAC, p.Ile2209Asn (NM_001354897.2); c.6521_6522delinsAC, p.Ile2174Asn (NM_001354898.2); c.6512_6513delinsAC, p.Ile2171Asn (NM_001354899.2); c.6473_6474delinsAC, p.Ile2158Asn (NM_001354900.2); c.6419_6420delinsAC, p.Ile2140Asn (NM_001354901.2); and 16 more; short protein forms I2108N, I2116N, I2192N, I2199N, I1815N, I1916N, I2181N, I2070N.
Identifiers: ClinVar variation 2183322 (VCV002183322.1), dbSNP rs2533727046, ClinGen allele CA2580072355.